The following is an entry in ClinVar:

NM_000451.4(SHOX):c.829G>A (p.Ala277Thr)

Gene: SHOX (SHOX homeobox; plus strand). Cytogenetic location: Xp22.33.
Variant type: single nucleotide variant.
Coding change: c.829G>A on transcript NM_000451.4 (MANE Select); coding-DNA position 829, G replaced by A.
Protein change: p.Ala277Thr; replaces alanine 277 with threonine.
Molecular consequence: missense variant. On other transcripts: intron variant (1).
Genome position (GRCh38, 1-based): chrX:644,586, G>A. VCF-style: chrX-644586-G-A. GRCh37 (hg19) VCF-style: chrX-605321-G-A.
Other names: c.633+3499G>A (NM_006883.2); short protein forms A277T.
Identifiers: ClinVar variation 93094 (VCV000093094.10), dbSNP rs398123403, ClinGen allele CA220964.
Genomic context (GRCh38, chrX:644,586, plus strand): 5'-GCCTCGGCCGCCGCCGTGGTCGCCGCCGCCGCCAAAAGCAACAGCAAGAATTCCAGCATC[G>A]CCGACCTGCGGCTCAAGGCGCGGAAGCACGCGGAGGCCCTGGGGCTCTGACCCGCCGCGC-3'
Protein context (NP_000442.1, residues 267-287): AKSNSKNSSI[Ala277Thr]DLRLKARKHA

ClinVar aggregate classification (germline): Uncertain significance. Review status: criteria provided, multiple submitters, no conflicts (2 of 4 stars). 3 submissions from 3 submitters: Uncertain significance (3). Last evaluated 2025-08-16.

gnomAD v4.1: 41 of 1,512,980 alleles (0.0027%); highest among the groups gnomAD compares: Non-Finnish European, 0.0036%; no homozygotes.

Submissions (3):

GeneDx
Classification: Uncertain significance. Last evaluated: 2025-08-16. Review status: criteria provided, single submitter. Criteria: GeneDx Variant Classification Process June 2021. Collection method: clinical testing. Allele origin: germline. Affected: yes.
Comment: Not observed at significant frequency in large population cohorts (gnomAD); In silico analysis supports that this missense variant has a deleterious effect on protein structure/function; Has not been previously published as pathogenic or benign to our knowledge

Women's Health and Genetics/Laboratory Corporation of America, LabCorp
Classification: Uncertain significance. Last evaluated: 2024-04-18. Review status: criteria provided, single submitter. Criteria: LabCorp Variant Classification Summary - May 2015. Collection method: clinical testing. Allele origin: germline.
Comment: Variant summary: SHOX c.829G>A (p.Ala277Thr) results in a non-conservative amino acid change located in the OAR domain (IPR003654) of the encoded protein sequence. Four of five in-silico tools predict a damaging effect of the variant on protein function. The variant was absent in 111042 control chromosomes (gnomAD). The available data on variant occurrences in the general population are insufficient to allow any conclusion about variant significance. To our knowledge, no occurrence of c.829G>A in individuals affected with Leri-Weill Dyschondrosteosis and no experimental evidence demonstrating its impact on protein function have been reported. ClinVar contains an entry for this variant (Variation ID: 93094). Based on the evidence outlined above, the variant was classified as uncertain significance.

Eurofins Ntd Llc (ga)
Classification: Uncertain significance. Last evaluated: 2012-11-30. Review status: criteria provided, single submitter. Criteria: EGL Classification Definitions 2015. Collection method: clinical testing. Allele origin: germline. Observed: 1 variant allele, 1 heterozygote.